The following is an entry in ClinVar:

NM_000218.3(KCNQ1):c.1795-4G>A

Genes: KCNQ1 (potassium voltage-gated channel subfamily Q member 1; plus strand), KCNQ1-AS1 (KCNQ1 antisense RNA 1; minus strand). Cytogenetic location: 11p15.4.
Variant type: single nucleotide variant.
Coding change: c.1795-4G>A on transcript NM_000218.3 (MANE Select); 4 bases into the intron before coding-DNA position 1795, G replaced by A.
Molecular consequence: intron variant.
Genome position (GRCh38, 1-based): chr11:2,847,763, G>A. VCF-style: chr11-2847763-G-A. GRCh37 (hg19) VCF-style: chr11-2868993-G-A.
Other names: c.1525-4G>A (NM_001406837.1); c.1699-4G>A (NM_001406836.1); c.1255-4G>A (NM_001406838.1); c.1414-4G>A (NM_181798.2); c.307-4G>A (NM_001406839.1).
Identifiers: ClinVar variation 227462 (VCV000227462.23), dbSNP rs769865006, ClinGen allele CA033192.

ClinVar aggregate classification (germline): Conflicting classifications of pathogenicity. Review status: criteria provided, conflicting classifications (1 of 4 stars). 8 submissions from 8 submitters: Uncertain significance (1); Likely benign (6). 1 of the submissions does not count toward it. Last evaluated 2026-01-06.

Conditions:
Cardiovascular phenotype. Identifiers: MedGen CN230736.
Cardiac arrhythmia. Also called: Cardiac rhythm disease; Arrhythmia. Identifiers: MedGen C0003811, MONDO:0007263, HP:0011675.
KCNQ1-related disorder. Also called: KCNQ1-related condition; KCNQ1-related disorders. Identifiers: MedGen CN239322.
Long QT syndrome (LQTS). Identifiers: MedGen C0023976, MeSH D008133, MONDO:0002442. Disease mechanism: loss of function. Inheritance: Various modes of inheritance.

Allele frequency attached by ClinVar (database versions not stated): TOPMed 0.00003; gnomAD exomes 0.00004; gnomAD 0.00006; ExAC 0.00015.
gnomAD v4.1: 95 of 1,572,192 alleles (0.006%); highest among the groups gnomAD compares: Non-Finnish European, 0.0075%; 1 homozygote.

Submissions (8):

Labcorp Genetics (formerly Invitae), Labcorp
Classification: Likely benign for Long QT syndrome. Last evaluated: 2026-01-06. Review status: criteria provided, single submitter. Criteria: Invitae Variant Classification Sherloc (09022015). Collection method: clinical testing. Allele origin: germline.

Women's Health and Genetics/Laboratory Corporation of America, LabCorp
Classification: Likely benign. Last evaluated: 2025-04-23. Review status: criteria provided, single submitter. Criteria: LabCorp Variant Classification Summary - May 2015. Collection method: clinical testing. Allele origin: germline.

Ambry Genetics
Classification: Uncertain significance for Cardiovascular phenotype. Last evaluated: 2025-04-01. Review status: criteria provided, single submitter. Criteria: Ambry Variant Classification Scheme 2023. Collection method: clinical testing. Allele origin: germline.
Comment: The c.1795-4G>A intronic variant results from a G to A substitution 4 nucleotides upstream from coding exon 16 in the KCNQ1 gene. This variant was reported in individual(s) with features consistent with long QT syndrome (Ambry internal data). This nucleotide position is not well conserved in available vertebrate species. In silico splice site analysis predicts that this alteration will not have any significant effect on splicing. In addition, the -4 position of the consensus splice acceptor site is tolerant to nucleotide substitution (Padgett RA Trends Genet. 2012 Apr 28;4:147-154). Based on the available evidence, the clinical significance of this variant remains unclear.

Blueprint Genetics
Classification: Likely benign. Last evaluated: 2023-05-17. Review status: criteria provided, single submitter. Criteria: ACMG Guidelines, 2015. Collection method: clinical testing. Allele origin: germline.

Color Diagnostics, LLC DBA Color Health
Classification: Likely benign for Arrhythmia. Last evaluated: 2018-10-25. Review status: criteria provided, single submitter. Criteria: ACMG Guidelines, 2015. Collection method: clinical testing. Allele origin: germline.

GeneDx
Classification: Likely benign. Last evaluated: 2017-02-23. Review status: criteria provided, single submitter. Criteria: GeneDx Variant Classification (06012015). Collection method: clinical testing. Allele origin: germline. Affected: yes.
Comment: This variant is considered likely benign or benign based on one or more of the following criteria: it is a conservative change, it occurs at a poorly conserved position in the protein, it is predicted to be benign by multiple in silico algorithms, and/or has population frequency not consistent with disease.

Laboratory for Molecular Medicine, Mass General Brigham Personalized Medicine
Classification: Likely benign. Last evaluated: 2015-01-22. Review status: criteria provided, single submitter. Criteria: LMM Criteria. Collection method: clinical testing. Allele origin: germline. Observed: 1 variant allele.
Comment: c.1795-4G>A in intron 15 of KCNQ1: This variant is not expected to have clinical significance because it is not located within the splice consensus sequence. It has been identified in 4/12168 European chromosomes by the Exome Aggregation Co nsortium (ExAC).

PreventionGenetics, part of Exact Sciences
Classification: Likely benign for KCNQ1-related condition. Last evaluated: 2022-10-11. Review status: no assertion criteria provided. Collection method: clinical testing. Allele origin: germline. Not counted in ClinVar's aggregate classification.
Comment: This variant is classified as likely benign based on ACMG/AMP sequence variant interpretation guidelines (Richards et al. 2015 PMID: 25741868, with internal and published modifications).